The following is an entry in ClinVar:

NM_000186.4(CFH):c.1528G>T (p.Asp510Tyr)

Gene: CFH (complement factor H; plus strand). Cytogenetic location: 1q31.3.
Variant type: single nucleotide variant.
Coding change: c.1528G>T on transcript NM_000186.4 (MANE Select); coding-DNA position 1528, G replaced by T.
Protein change: p.Asp510Tyr; replaces aspartic acid 510 with tyrosine.
Molecular consequence: missense variant.
Genome position (GRCh38, 1-based): chr1:196,715,601, G>T. VCF-style: chr1-196715601-G-T. GRCh37 (hg19) VCF-style: chr1-196684731-G-T.
Other names: short protein forms D510Y.
Identifiers: ClinVar variation 2819033 (VCV002819033.3), dbSNP rs1423350922, ClinGen allele CA343982697.

ClinVar aggregate classification (germline): Uncertain significance (1 of 4 stars; one submission).

Allele frequency attached by ClinVar (database versions not stated): gnomAD exomes below 0.00001.
gnomAD v4.1: 8 of 1,610,646 alleles (0.0005%); highest among the groups gnomAD compares: Middle Eastern, 0.017%; no homozygotes.

Submission:

Labcorp Genetics (formerly Invitae), Labcorp
Classification: Uncertain significance. Last evaluated: 2024-06-11. Review status: criteria provided, single submitter. Criteria: Invitae Variant Classification Sherloc (09022015). Collection method: clinical testing. Allele origin: germline.
Comment: This sequence change replaces aspartic acid, which is acidic and polar, with tyrosine, which is neutral and polar, at codon 510 of the CFH protein (p.Asp510Tyr). This variant is present in population databases (no rsID available, gnomAD no frequency). This variant has not been reported in the literature in individuals affected with CFH-related conditions. An algorithm developed to predict the effect of missense changes on protein structure and function (PolyPhen-2) suggests that this variant is likely to be tolerated. Algorithms developed to predict the effect of sequence changes on RNA splicing suggest that this variant may disrupt the consensus splice site. In summary, the available evidence is currently insufficient to determine the role of this variant in disease. Therefore, it has been classified as a Variant of Uncertain Significance.